The following is an entry in ClinVar:

ClinVar aggregate classification (germline): Uncertain significance. Review status: criteria provided, multiple submitters, no conflicts (2 of 4 stars). 2 submissions from 2 submitters: Uncertain significance (2). Last evaluated 2025-12-08.

Conditions:
Inborn genetic diseases. Identifiers: MedGen C0950123, MeSH D030342.

Allele frequency attached by ClinVar (database versions not stated): TOPMed below 0.00001.

Submissions (2):

Ambry Genetics
Classification: Uncertain significance for Inborn genetic diseases. Last evaluated: 2025-12-08. Review status: criteria provided, single submitter. Criteria: Ambry Variant Classification Scheme 2023. Collection method: clinical testing. Allele origin: germline.

Labcorp Genetics (formerly Invitae), Labcorp
Classification: Uncertain significance. Last evaluated: 2021-09-10. Review status: criteria provided, single submitter. Criteria: Invitae Variant Classification Sherloc (09022015). Collection method: clinical testing. Allele origin: germline.
Comment: This sequence change replaces aspartic acid with asparagine at codon 401 of the SI protein (p.Asp401Asn). The aspartic acid residue is moderately conserved and there is a small physicochemical difference between aspartic acid and asparagine. This variant is not present in population databases (ExAC no frequency). This variant has not been reported in the literature in individuals affected with SI-related conditions. Advanced modeling of protein sequence and biophysical properties (such as structural, functional, and spatial information, amino acid conservation, physicochemical variation, residue mobility, and thermodynamic stability) performed at Invitae indicates that this missense variant is expected to disrupt SI protein function. In summary, the available evidence is currently insufficient to determine the role of this variant in disease. Therefore, it has been classified as a Variant of Uncertain Significance.

NM_001041.4(SI):c.1201G>A (p.Asp401Asn)

Gene: SI (sucrase-isomaltase; minus strand). Cytogenetic location: 3q26.1.
Variant type: single nucleotide variant.
Coding change: c.1201G>A on transcript NM_001041.4 (MANE Select); coding-DNA position 1201, G replaced by A.
Protein change: p.Asp401Asn; replaces aspartic acid 401 with asparagine.
Molecular consequence: missense variant.
Genome position (GRCh38, 1-based): chr3:165,059,245, C>T on the plus strand (G>A on the coding strand, the complement: SI is on the minus strand). VCF-style: chr3-165059245-C-T. GRCh37 (hg19) VCF-style: chr3-164777033-C-T.
Other names: short protein forms D401N.
Identifiers: ClinVar variation 1377580 (VCV001377580.4), dbSNP rs267599668, ClinGen allele CA86493087.